The following is an entry in ClinVar:

ClinVar aggregate classification (germline): Uncertain significance (1 of 4 stars; one submission).

Conditions:
Cardiovascular phenotype. Identifiers: MedGen CN230736.

Allele frequency attached by ClinVar (database versions not stated): gnomAD 0.00001; TOPMed 0.00001; ESP Exome Variant Server 0.00008.
gnomAD v4.1: 2 of 1,611,322 alleles (0.00012%); highest among the groups gnomAD compares: African/African-American, 0.0027%; no homozygotes.

Submission:

Ambry Genetics
Classification: Uncertain significance for Cardiovascular phenotype. Last evaluated: 2023-11-14. Review status: criteria provided, single submitter. Criteria: Ambry Variant Classification Scheme 2023. Collection method: clinical testing. Allele origin: germline.
Comment: The p.S178T variant (also known as c.533G>C), located in coding exon 4 of the FKBP14 gene, results from a G to C substitution at nucleotide position 533. The serine at codon 178 is replaced by threonine, an amino acid with similar properties. This amino acid position is conserved. In addition, this alteration is predicted to be tolerated by in silico analysis. Since supporting evidence is limited at this time, the clinical significance of this alteration remains unclear.

NM_017946.4(FKBP14):c.533G>C (p.Ser178Thr)

Genes: FKBP14-AS1 (FKBP14 antisense RNA 1; plus strand), FKBP14 (FKBP prolyl isomerase 14; minus strand). Cytogenetic location: 7p14.3.
Variant type: single nucleotide variant.
Coding change: c.533G>C on transcript NM_017946.4 (MANE Select); coding-DNA position 533, G replaced by C.
Protein change: p.Ser178Thr; replaces serine 178 with threonine.
Molecular consequence: missense variant. On other transcripts: non-coding transcript variant (2).
Genome position (GRCh38, 1-based): chr7:30,014,838, C>G on the plus strand (G>C on the coding strand, the complement: FKBP14 is on the minus strand). VCF-style: chr7-30014838-C-G. GRCh37 (hg19) VCF-style: chr7-30054454-C-G.
Other names: short protein forms S178T.
Identifiers: ClinVar variation 3227104 (VCV003227104.1), dbSNP rs373762287, ClinGen allele CA155998147.